The following is an entry in ClinVar:

NM_001351.4(DAZL):c.736-9G>A

Gene: DAZL (deleted in azoospermia like; minus strand). Cytogenetic location: 3p24.3.
Variant type: single nucleotide variant.
Coding change: c.736-9G>A on transcript NM_001351.4 (MANE Select); 9 bases into the intron before coding-DNA position 736, G replaced by A.
Molecular consequence: intron variant.
Genome position (GRCh38, 1-based): chr3:16,592,157, C>T on the plus strand (G>A on the coding strand, the complement: DAZL is on the minus strand). VCF-style: chr3-16592157-C-T. GRCh37 (hg19) VCF-style: chr3-16633664-C-T.
Other names: c.796-9G>A (NM_001190811.2).
Identifiers: ClinVar variation 3059559 (VCV003059559.2), dbSNP rs57842038, ClinGen allele CA2280200.

ClinVar aggregate classification (germline): Benign (0 of 4 stars; one submission).

Conditions:
DAZL-related disorder. Also called: DAZL-related condition.

Allele frequency attached by ClinVar (database versions not stated): ESP Exome Variant Server 0.11525; gnomAD exomes 0.13137; gnomAD 0.14070; TOPMed 0.15060; ExAC 0.17115; 1000 Genomes Project 30x 0.20815; 1000 Genomes Project 0.21286.
gnomAD v4.1: 212,570 of 1,605,538 alleles (13%); highest among the groups gnomAD compares: East Asian, 43%; 18,008 homozygotes.

Submission:

PreventionGenetics, part of Exact Sciences
Classification: Benign for DAZL-related condition. Last evaluated: 2019-10-17. Review status: no assertion criteria provided. Collection method: clinical testing. Allele origin: germline.
Comment: This variant is classified as benign based on ACMG/AMP sequence variant interpretation guidelines (Richards et al. 2015 PMID: 25741868, with internal and published modifications).